The following is an entry in ClinVar:

ClinVar aggregate classification (germline): Uncertain significance (1 of 4 stars; one submission).

Conditions:
Autosomal dominant Parkinson disease 8. Also called: Parkinson disease 8, susceptibility to; LRRK2-Related Parkinson Disease; Parkinson disease 8. Identifiers: Orphanet 411602, MedGen C1846862, MONDO:0011764, OMIM 607060.

gnomAD v4.1: 2 of 1,613,732 alleles (0.00012%); highest among the groups gnomAD compares: Non-Finnish European, 0.00017%; no homozygotes.

Submission:

Labcorp Genetics (formerly Invitae), Labcorp
Classification: Uncertain significance for Autosomal dominant Parkinson disease 8. Last evaluated: 2023-12-09. Review status: criteria provided, single submitter. Criteria: Invitae Variant Classification Sherloc (09022015). Collection method: clinical testing. Allele origin: germline.
Comment: This sequence change replaces threonine, which is neutral and polar, with serine, which is neutral and polar, at codon 2069 of the LRRK2 protein (p.Thr2069Ser). This variant is present in population databases (no rsID available, gnomAD 0.0009%). This variant has not been reported in the literature in individuals affected with LRRK2-related conditions. Advanced modeling of protein sequence and biophysical properties (such as structural, functional, and spatial information, amino acid conservation, physicochemical variation, residue mobility, and thermodynamic stability) has been performed at Invitae for this missense variant, however the output from this modeling did not meet the statistical confidence thresholds required to predict the impact of this variant on LRRK2 protein function. In summary, the available evidence is currently insufficient to determine the role of this variant in disease. Therefore, it has been classified as a Variant of Uncertain Significance.

NM_198578.4(LRRK2):c.6206C>G (p.Thr2069Ser)

Gene: LRRK2 (leucine rich repeat kinase 2; plus strand). Cytogenetic location: 12q12.
Variant type: single nucleotide variant.
Coding change: c.6206C>G on transcript NM_198578.4 (MANE Select); coding-DNA position 6206, C replaced by G.
Protein change: p.Thr2069Ser; replaces threonine 2069 with serine.
Molecular consequence: missense variant.
Genome position (GRCh38, 1-based): chr12:40,346,849, C>G. VCF-style: chr12-40346849-C-G. GRCh37 (hg19) VCF-style: chr12-40740651-C-G.
Other names: short protein forms T2069S.
Identifiers: ClinVar variation 2894280 (VCV002894280.3), dbSNP rs775723588, ClinGen allele CA384405545.